The following is an entry in ClinVar:

NM_007294.4(BRCA1):c.245T>G (p.Leu82Arg)

Gene: BRCA1 (BRCA1 DNA repair associated; minus strand). Cytogenetic location: 17q21.31.
Variant type: single nucleotide variant.
Coding change: c.245T>G on transcript NM_007294.4 (MANE Select); coding-DNA position 245, T replaced by G.
Protein change: p.Leu82Arg; replaces leucine 82 with arginine.
Molecular consequence: missense variant. On other transcripts: non-coding transcript variant (1).
Genome position (GRCh38, 1-based): chr17:43,104,924, A>C on the plus strand (T>G on the coding strand, the complement: BRCA1 is on the minus strand). VCF-style: chr17-43104924-A-C. GRCh37 (hg19) VCF-style: chr17-41256941-A-C.
Other names: c.35T>G, p.Leu12Arg (NM_001407900.1, NM_001407902.1, NM_001407904.1 and 58 more transcripts); c.245T>G, p.Leu82Arg (NM_001407919.1, NM_001407937.1, NM_001407938.1 and 168 more transcripts); c.104T>G, p.Leu35Arg (NM_001407920.1, NM_001407921.1, NM_001407922.1 and 99 more transcripts); c.-137T>G (NM_001407959.1, NM_001407960.1, NM_001407962.1 and 4 more transcripts); c.167T>G, p.Leu56Arg (NM_001408409.1, NM_001408411.1, NM_001408412.1 and 21 more transcripts); c.113T>G, p.Leu38Arg (NM_001408451.1); short protein forms L82R, L35R, L12R, L56R, L38R.
Identifiers: ClinVar variation 867371 (VCV000867371.13), dbSNP rs2054687973, ClinGen allele CA10601664.

ClinVar aggregate classification (germline): Uncertain significance (1 of 4 stars; one submission).

Conditions:
Hereditary breast ovarian cancer syndrome. Also called: Hereditary breast and/or ovarian cancer syndrome; BRCA1- and BRCA2-Associated Hereditary Breast and Ovarian Cancer; Hereditary breast and ovarian cancer syndrome; Hereditary breast and ovarian cancer; Hereditary breast and ovarian cancer syndrome (HBOC); Breast and ovarian cancer. Identifiers: Orphanet 145, MedGen C0677776, MeSH D061325, MONDO:0003582. Disease mechanism: loss of function.

Submissions (2):

Labcorp Genetics (formerly Invitae), Labcorp
Classification: Uncertain significance for Hereditary breast ovarian cancer syndrome. Last evaluated: 2019-09-25. Review status: criteria provided, single submitter. Criteria: Invitae Variant Classification Sherloc (09022015). Collection method: clinical testing. Allele origin: germline.
Comment: This sequence change replaces leucine with arginine at codon 82 of the BRCA1 protein (p.Leu82Arg). The leucine residue is highly conserved and there is a moderate physicochemical difference between leucine and arginine. This variant is not present in population databases (ExAC no frequency). This variant has been reported to affect BRCA1 protein function (PMID: 30209399, 25823446). In summary, the available evidence is currently insufficient to determine the role of this variant in disease. Therefore, it has been classified as a Variant of Uncertain Significance. This variant has not been reported in the literature in individuals with BRCA1-related conditions.

Brotman Baty Institute, University of Washington
No classification provided (evidence only). Condition: Breast-ovarian cancer, familial 1. Review status: no classification provided. Collection method: in vitro. Allele origin: not applicable. Functional consequence: functionally_abnormal. Not counted in ClinVar's aggregate classification.
ClinVar note: "not provided" was previously submitted as the classification for the variant. However, the classification appeared to be based only on an observation of functional data so it was converted to no classification on 2025-07-30.

Literature cited by the submitters: PubMed 30209399 (cited by Labcorp Genetics (formerly Invitae), Labcorp); PubMed 25823446 (cited by Labcorp Genetics (formerly Invitae), Labcorp).